The following is an entry in ClinVar:

ClinVar aggregate classification (germline): Likely benign (1 of 4 stars; one submission).

gnomAD v4.1: 53 of 872,940 alleles (0.0061%); highest among the groups gnomAD compares: South Asian, 0.067%; 1 homozygote.

Submission:

CeGaT Center for Human Genetics Tuebingen
Classification: Likely benign. Last evaluated: 2025-06-01. Review status: criteria provided, single submitter. Criteria: CeGaT Center For Human Genetics Tuebingen Variant Classification Criteria Version 2. Collection method: clinical testing. Allele origin: germline. Affected: yes. Observed: 1 variant allele.
Comment: CPNE3: BP4, BP7

NM_003909.5(CPNE3):c.1410T>C (p.Asp470=)

Gene: CPNE3 (copine 3; plus strand). Cytogenetic location: 8q21.3.
Variant type: single nucleotide variant.
Coding change: c.1410T>C on transcript NM_003909.5 (MANE Select); coding-DNA position 1410, T replaced by C.
Protein change: p.Asp470=; no amino-acid change (aspartic acid 470 retained).
Molecular consequence: synonymous variant.
Genome position (GRCh38, 1-based): chr8:86,556,257, T>C. VCF-style: chr8-86556257-T-C. GRCh37 (hg19) VCF-style: chr8-87568485-T-C.
Identifiers: ClinVar variation 3905388 (VCV003905388.10).